The following is an entry in ClinVar:

NM_205836.3(FBXO38):c.2996G>A (p.Arg999His)

Gene: FBXO38 (F-box protein 38; plus strand). Cytogenetic location: 5q32.
Variant type: single nucleotide variant.
Coding change: c.2996G>A on transcript NM_205836.3 (MANE Select); coding-DNA position 2996, G replaced by A.
Protein change: p.Arg999His; replaces arginine 999 with histidine.
Molecular consequence: missense variant.
Genome position (GRCh38, 1-based): chr5:148,438,470, G>A. VCF-style: chr5-148438470-G-A. GRCh37 (hg19) VCF-style: chr5-147818033-G-A.
Other names: c.2261G>A, p.Arg754His (NM_001271723.2); c.2771G>A, p.Arg924His (NM_030793.5); short protein forms R999H, R754H, R924H.
Identifiers: ClinVar variation 4983917 (VCV004983917.1).

ClinVar aggregate classification (germline): Uncertain significance (1 of 4 stars; one submission).

Conditions:
FBXO38-related disorder. Also called: FBXO38-related condition.

gnomAD v4.1: 9 of 1,613,716 alleles (0.00056%); highest among the groups gnomAD compares: East Asian, 0.0045%; no homozygotes.

Submission:

PreventionGenetics, part of Exact Sciences
Classification: Uncertain significance for FBXO38-related condition. Last evaluated: 2026-07-19. Review status: criteria provided, single submitter. Criteria: ACMG Guidelines, 2015. Collection method: clinical testing. Allele origin: germline.
Comment: The FBXO38 c.2771G>A variant is predicted to result in the amino acid substitution p.Arg924His. To our knowledge, this variant has not been reported in the literature. This variant is reported in 0.0023% of alleles in individuals of European (Non-Finnish) descent in gnomAD. At this time, the clinical significance of this variant is uncertain due to the absence of conclusive functional and genetic evidence.